The following is an entry in ClinVar:

ClinVar aggregate classification (germline): Uncertain significance. Review status: criteria provided, multiple submitters, no conflicts (2 of 4 stars). 2 submissions from 2 submitters: Uncertain significance (2). Last evaluated 2025-06-06.

Conditions:
Aortic aneurysm, familial thoracic 7 (AAT7). Also called: AORTIC DISSECTION, FAMILIAL, WITH OR WITHOUT AORTIC ANEURYSM. Identifiers: MedGen C3151077, MONDO:0013418, OMIM 613780.
Familial thoracic aortic aneurysm and aortic dissection (TAAD). Also called: Thoracic aortic aneurysms and dissections. Identifiers: Orphanet 91387, MedGen C4707243, MONDO:0019625.

Allele frequency attached by ClinVar (database versions not stated): gnomAD exomes below 0.00001.
gnomAD v4.1: 2 of 1,563,642 alleles (0.00013%); highest among the groups gnomAD compares: Non-Finnish European, 0.00017%; no homozygotes.

Submissions (2):

Labcorp Genetics (formerly Invitae), Labcorp
Classification: Uncertain significance for Aortic aneurysm, familial thoracic 7. Last evaluated: 2025-06-06. Review status: criteria provided, single submitter. Criteria: Invitae Variant Classification Sherloc (09022015). Collection method: clinical testing. Allele origin: germline.
Comment: This sequence change replaces isoleucine, which is neutral and non-polar, with leucine, which is neutral and non-polar, at codon 279 of the MYLK protein (p.Ile279Leu). This variant is not present in population databases (gnomAD no frequency). This variant has not been reported in the literature in individuals affected with MYLK-related conditions. ClinVar contains an entry for this variant (Variation ID: 2452956). Invitae Evidence Modeling of protein sequence and biophysical properties (such as structural, functional, and spatial information, amino acid conservation, physicochemical variation, residue mobility, and thermodynamic stability) indicates that this missense variant is not expected to disrupt MYLK protein function with a negative predictive value of 95%. In summary, the available evidence is currently insufficient to determine the role of this variant in disease. Therefore, it has been classified as a Variant of Uncertain Significance.

Ambry Genetics
Classification: Uncertain significance for Familial thoracic aortic aneurysm and aortic dissection. Last evaluated: 2022-12-06. Review status: criteria provided, single submitter. Criteria: Ambry Variant Classification Scheme 2023. Collection method: clinical testing. Allele origin: germline.
Comment: The p.I279L variant (also known as c.835A>C), located in coding exon 7 of the MYLK gene, results from an A to C substitution at nucleotide position 835. The isoleucine at codon 279 is replaced by leucine, an amino acid with highly similar properties. This amino acid position is conserved. In addition, this alteration is predicted to be tolerated by in silico analysis. Since supporting evidence is limited at this time, the clinical significance of this alteration remains unclear.

NM_053025.4(MYLK):c.835A>C (p.Ile279Leu)

Gene: MYLK (myosin light chain kinase; minus strand). Cytogenetic location: 3q21.1.
Variant type: single nucleotide variant.
Coding change: c.835A>C on transcript NM_053025.4 (MANE Select); coding-DNA position 835, A replaced by C.
Protein change: p.Ile279Leu; replaces isoleucine 279 with leucine.
Molecular consequence: missense variant.
Genome position (GRCh38, 1-based): chr3:123,734,161, T>G on the plus strand (A>C on the coding strand, the complement: MYLK is on the minus strand). VCF-style: chr3-123734161-T-G. GRCh37 (hg19) VCF-style: chr3-123453008-T-G.
Other names: c.307A>C, p.Ile103Leu (NM_001321309.2); c.835A>C, p.Ile279Leu (NM_053026.4, NM_053027.4, NM_053028.4); short protein forms I279L, I103L.
Identifiers: ClinVar variation 2452956 (VCV002452956.3), dbSNP rs2062594836, ClinGen allele CA354240047.